The following is an entry in ClinVar:

NM_003041.4(SLC5A2):c.1678G>T (p.Val560Phe)

Genes: RUSF1 (RUS family member 1; minus strand), SLC5A2 (solute carrier family 5 member 2; plus strand). Cytogenetic location: 16p11.2.
Variant type: single nucleotide variant.
Coding change: c.1678G>T on transcript NM_003041.4 (MANE Select); coding-DNA position 1678, G replaced by T.
Protein change: p.Val560Phe; replaces valine 560 with phenylalanine.
Molecular consequence: missense variant. On other transcripts: 3 prime UTR variant (1), non-coding transcript variant (1).
Genome position (GRCh38, 1-based): chr16:31,490,116, G>T. VCF-style: chr16-31490116-G-T. GRCh37 (hg19) VCF-style: chr16-31501437-G-T.
Other names: c.*719C>A (NM_022744.4); short protein forms V560F.
Identifiers: ClinVar variation 3040656 (VCV003040656.2), dbSNP rs2544891346, ClinGen allele CA395756461.

ClinVar aggregate classification (germline): Uncertain significance (0 of 4 stars; one submission).

Conditions:
SLC5A2-related disorder. Also called: SLC5A2-related condition.

Submission:

PreventionGenetics, part of Exact Sciences
Classification: Uncertain significance for SLC5A2-related condition. Last evaluated: 2024-01-05. Review status: no assertion criteria provided. Collection method: clinical testing. Allele origin: germline.
Comment: The SLC5A2 c.1678G>T variant is predicted to result in the amino acid substitution p.Val560Phe. To our knowledge, this variant has not been reported in the literature or in a large population database, indicating this variant is rare. At this time, the clinical significance of this variant is uncertain due to the absence of conclusive functional and genetic evidence.